The following is an entry in ClinVar:

ClinVar aggregate classification (germline): Uncertain significance (1 of 4 stars; one submission).

Conditions:
RASopathy. Also called: Noonan spectrum disorder; rasopathies. Identifiers: Orphanet 536391, MedGen C5555857, MONDO:0021060.

Submission:

Labcorp Genetics (formerly Invitae), Labcorp
Classification: Uncertain significance for RASopathy. Last evaluated: 2024-10-10. Review status: criteria provided, single submitter. Criteria: Invitae Variant Classification Sherloc (09022015). Collection method: clinical testing. Allele origin: germline.
Comment: This sequence change creates a premature translational stop signal (p.Cys637Alafs*3) in the RAF1 gene. While this is not anticipated to result in nonsense mediated decay, it is expected to disrupt the last 12 amino acid(s) of the RAF1 protein. This variant is not present in population databases (gnomAD no frequency). This variant has not been reported in the literature in individuals affected with RAF1-related conditions. Experimental studies and prediction algorithms are not available or were not evaluated, and the functional significance of this variant is currently unknown. In summary, the available evidence is currently insufficient to determine the role of this variant in disease. Therefore, it has been classified as a Variant of Uncertain Significance.

NM_002880.4(RAF1):c.1909del (p.Cys637fs)

Gene: RAF1 (Raf-1 proto-oncogene, serine/threonine kinase; minus strand). Cytogenetic location: 3p25.2.
Variant type: Deletion.
Coding change: c.1909del on transcript NM_002880.4 (MANE Select); coding-DNA position 1909, one base deleted (T; older notation c.1909delT).
Protein change: p.Cys637fs; shifts the reading frame from cysteine 637.
Molecular consequence: frameshift variant. On other transcripts: non-coding transcript variant (3).
Genome position (GRCh38, 1-based): chr3:12,584,552, A deleted on the plus strand (T on the coding strand, the reverse complement: RAF1 is on the minus strand); the first of 2 consecutive A bases (chr3:12,584,552-12,584,553); deleting either gives the same sequence. VCF-style (leftmost placement, unchanged base first): chr3-12584551-CA-C. GRCh37 (hg19) VCF-style: chr3-12626050-CA-C.
Other names: c.1969del, p.Cys657fs (NM_001354689.3); c.1909del, p.Cys637fs (NM_001354690.3); c.1666del, p.Cys556fs (NM_001354691.3, NM_001354692.3); c.1810del, p.Cys604fs (NM_001354693.3); c.1726del, p.Cys576fs (NM_001354694.3); c.1567del, p.Cys523fs (NM_001354695.3); short protein forms C556fs, C657fs, C523fs, C576fs, C604fs, C637fs.
Identifiers: ClinVar variation 3689723 (VCV003689723.2).
Genomic context (GRCh38, chr3:12,584,551, plus strand): 5'-CCTGAAGACAGGTGCAAAGTCAACTAGAAGACAGGCAGCCTCGGGGACGTGGTCAGCGTG[CA>C]AGCATTGATATCCTCAGTGTGGGCTGCCCGATGCAAGGATGGCTCGGAAGCGCTCCGGTT-3'